The following is an entry in ClinVar:

ClinVar aggregate classification (germline): Uncertain significance (1 of 4 stars; one submission).

Conditions:
Inborn genetic diseases. Identifiers: MedGen C0950123, MeSH D030342.

gnomAD v4.1: 21 of 1,611,434 alleles (0.0013%); highest among the groups gnomAD compares: East Asian, 0.0022%; no homozygotes.

Submission:

Ambry Genetics
Classification: Uncertain significance for Inborn genetic diseases. Last evaluated: 2025-11-08. Review status: criteria provided, single submitter. Criteria: Ambry Variant Classification Scheme 2023. Collection method: clinical testing. Allele origin: germline.
Comment: The c.2834T>C (p.L945P) alteration is located in exon 9 (coding exon 8) of the BRPF1 gene. This alteration results from a T to C substitution at nucleotide position 2834, causing the leucine (L) at amino acid position 945 to be replaced by a proline (P). Based on data from gnomAD, the C allele has an overall frequency of <0.001% (1/245540) total alleles studied. The highest observed frequency was 0.001% (1/110374) of European (non-Finnish) alleles. Based on insufficient or conflicting evidence, the clinical significance of this alteration remains unclear.

NM_001003694.2(BRPF1):c.2834T>C (p.Leu945Pro)

Gene: BRPF1 (bromodomain and PHD finger containing 1; plus strand). Cytogenetic location: 3p25.3.
Variant type: single nucleotide variant.
Coding change: c.2834T>C on transcript NM_001003694.2 (MANE Select); coding-DNA position 2834, T replaced by C.
Protein change: p.Leu945Pro; replaces leucine 945 with proline.
Molecular consequence: missense variant. On other transcripts: non-coding transcript variant (1), intron variant (4).
Genome position (GRCh38, 1-based): chr3:9,744,422, T>C. VCF-style: chr3-9744422-T-C. GRCh37 (hg19) VCF-style: chr3-9786106-T-C.
Other names: c.2813T>C, p.Leu938Pro (NM_001319050.2, NM_001438342.1, NM_001438343.1); c.2831T>C, p.Leu944Pro (NM_001410704.1); c.2816T>C, p.Leu939Pro (NM_001437892.1, NM_004634.3); c.2635+521T>C (NM_001438344.1); c.2632+521T>C (NM_001438345.1); c.2617+521T>C (NM_001319049.2); c.2614+521T>C (NM_001438346.1); short protein forms L938P, L939P, L944P, L945P.
Identifiers: ClinVar variation 4599337 (VCV004599337.1).